The following is an entry in ClinVar:

NM_001079872.2(CUL4B):c.1576A>T (p.Met526Leu)

Gene: CUL4B (cullin 4B; minus strand). Cytogenetic location: Xq24.
Variant type: single nucleotide variant.
Coding change: c.1576A>T on transcript NM_001079872.2 (MANE Select); coding-DNA position 1576, A replaced by T.
Protein change: p.Met526Leu; replaces methionine 526 with leucine.
Molecular consequence: missense variant.
Genome position (GRCh38, 1-based): chrX:120,540,430, T>A on the plus strand (A>T on the coding strand, the complement: CUL4B is on the minus strand). VCF-style: chrX-120540430-T-A. GRCh37 (hg19) VCF-style: chrX-119674285-T-A.
Other names: c.1591A>T, p.Met531Leu (NM_001330624.2); c.1042A>T, p.Met348Leu (NM_001369145.1); c.1630A>T, p.Met544Leu (NM_003588.4); short protein forms M544L, M526L, M348L, M531L.
Identifiers: ClinVar variation 4983900 (VCV004983900.1).

ClinVar aggregate classification (germline): Uncertain significance (1 of 4 stars; one submission).

Conditions:
CUL4B-related disorder. Also called: CUL4B-related condition.

gnomAD v4.1: 1 of 1,207,585 alleles (0.000083%); highest among the groups gnomAD compares: Non-Finnish European, 0.00011%; no homozygotes.

Submission:

PreventionGenetics, part of Exact Sciences
Classification: Uncertain significance for CUL4B-related condition. Last evaluated: 2026-06-18. Review status: criteria provided, single submitter. Criteria: ACMG Guidelines, 2015. Collection method: clinical testing. Allele origin: germline.
Comment: The CUL4B c.1630A>T variant is predicted to result in the amino acid substitution p.Met544Leu. To our knowledge, this variant has not been reported in the literature or in a large population database (gnomAD), indicating this variant is rare. At this time, the clinical significance of this variant is uncertain due to the absence of conclusive functional and genetic evidence.